The following is an entry in ClinVar:

ClinVar aggregate classification (germline): Conflicting classifications of pathogenicity. Review status: criteria provided, conflicting classifications (1 of 4 stars). 3 submissions from 3 submitters: Uncertain significance (1); Likely benign (1). 1 of the submissions does not count toward it. Last evaluated 2025-08-19.

Conditions:
PREX2-related disorder. Also called: PREX2-related condition.

Allele frequency attached by ClinVar (database versions not stated): gnomAD exomes 0.00024 and 0.00060; ExAC 0.00065; 1000 Genomes Project 0.00160; 1000 Genomes Project 30x 0.00187; gnomAD 0.00217 and 0.00237; ESP Exome Variant Server 0.00231; TOPMed 0.00259.
gnomAD v4.1: 702 of 1,613,746 alleles (0.044%); highest among the groups gnomAD compares: African/African-American, 0.78%; 2 homozygotes.

Submissions (3):

Ambry Genetics
Classification: Uncertain significance. Last evaluated: 2025-08-19. Review status: criteria provided, single submitter. Criteria: Ambry Variant Classification Scheme 2023. Collection method: clinical testing. Allele origin: germline.

Labcorp Genetics (formerly Invitae), Labcorp
Classification: Likely benign. Last evaluated: 2019-12-31. Review status: criteria provided, single submitter. Criteria: Invitae Variant Classification Sherloc (09022015). Collection method: clinical testing. Allele origin: germline.

PreventionGenetics, part of Exact Sciences
Classification: Benign for PREX2-related condition. Last evaluated: 2019-08-22. Review status: no assertion criteria provided. Collection method: clinical testing. Allele origin: germline. Not counted in ClinVar's aggregate classification.
Comment: This variant is classified as benign based on ACMG/AMP sequence variant interpretation guidelines (Richards et al. 2015 PMID: 25741868, with internal and published modifications).

NM_024870.4(PREX2):c.1609G>A (p.Val537Ile)

Gene: PREX2 (phosphatidylinositol-3,4,5-trisphosphate dependent Rac exchange factor 2; plus strand). Cytogenetic location: 8q13.2.
Variant type: single nucleotide variant.
Coding change: c.1609G>A on transcript NM_024870.4 (MANE Select); coding-DNA position 1609, G replaced by A.
Protein change: p.Val537Ile; replaces valine 537 with isoleucine.
Molecular consequence: missense variant.
Genome position (GRCh38, 1-based): chr8:68,077,436, G>A. VCF-style: chr8-68077436-G-A. GRCh37 (hg19) VCF-style: chr8-68989671-G-A.
Other names: c.1609G>A, p.Val537Ile (NM_025170.6); c.1609G>A (NM_024870.2); short protein forms V537I.
Identifiers: ClinVar variation 776354 (VCV000776354.7), dbSNP rs147538692, ClinGen allele CA4773678.
Genomic context (GRCh38, chr8:68,077,436, plus strand): 5'-CAGTGCTTTTTTGGTTAACAGGGAGATTGCCGCACCAGAGAAGAGGCAATGATATTTGGC[G>A]TTGGACTCTGTGACAATGGATTTATGCACCATGGTAGGGATTTTTTACCCTGGGAGCTTA-3'
Protein context (NP_079146.2, residues 527-547): RTREEAMIFG[Val537Ile]GLCDNGFMHH